The following is an entry in ClinVar:

NM_022051.3(EGLN1):c.136C>T (p.His46Tyr)

Gene: EGLN1 (egl-9 family hypoxia inducible factor 1; minus strand). Cytogenetic location: 1q42.2.
Variant type: single nucleotide variant.
Coding change: c.136C>T on transcript NM_022051.3 (MANE Select); coding-DNA position 136, C replaced by T.
Protein change: p.His46Tyr; replaces histidine 46 with tyrosine.
Molecular consequence: missense variant.
Genome position (GRCh38, 1-based): chr1:231,421,753, G>A on the plus strand (C>T on the coding strand, the complement: EGLN1 is on the minus strand). VCF-style: chr1-231421753-G-A. GRCh37 (hg19) VCF-style: chr1-231557499-G-A.
Other names: c.136C>T, p.His46Tyr (NM_001377260.1, NM_001377261.1); short protein forms H46Y.
Identifiers: ClinVar variation 1771011 (VCV001771011.3), dbSNP rs1490844431, ClinGen allele CA345238954.

ClinVar aggregate classification (germline): Uncertain significance (1 of 4 stars; one submission).

Allele frequency attached by ClinVar (database versions not stated): gnomAD exomes below 0.00001.
gnomAD v4.1: 1 of 1,551,212 alleles (0.000064%); highest among the groups gnomAD compares: Non-Finnish European, 0.000086%; no homozygotes.

Submission:

Ambry Genetics
Classification: Uncertain significance. Last evaluated: 2025-07-20. Review status: criteria provided, single submitter. Criteria: Ambry Variant Classification Scheme 2023. Collection method: clinical testing. Allele origin: germline.
Comment: The p.H46Y variant (also known as c.136C>T), located in coding exon 1 of the EGLN1 gene, results from a C to T substitution at nucleotide position 136. The histidine at codon 46 is replaced by tyrosine, an amino acid with similar properties. This amino acid position is conserved. In addition, the in silico prediction for this alteration is inconclusive. Since supporting evidence is limited at this time, the clinical significance of this alteration remains unclear.